The following is an entry in ClinVar:

NM_017780.4(CHD7):c.3965T>C (p.Leu1322Pro)

Gene: CHD7 (chromodomain helicase DNA binding protein 7; plus strand). Cytogenetic location: 8q12.2.
Variant type: single nucleotide variant.
Coding change: c.3965T>C on transcript NM_017780.4 (MANE Select); coding-DNA position 3965, T replaced by C.
Protein change: p.Leu1322Pro; replaces leucine 1322 with proline.
Molecular consequence: missense variant. On other transcripts: intron variant (1).
Genome position (GRCh38, 1-based): chr8:60,836,259, T>C. VCF-style: chr8-60836259-T-C. GRCh37 (hg19) VCF-style: chr8-61748818-T-C.
Other names: c.1717-25970T>C (NM_001316690.1); short protein forms L1322P.
Identifiers: ClinVar variation 3766397 (VCV003766397.1).
Genomic context (GRCh38, chr8:60,836,259, plus strand): 5'-TGAAGGCTGGTGGCCACAGGGTGCTTATCTTTTCCCAGATGGTGCGCTGCTTGGACATAC[T>C]GGAAGACTACCTCATTCAAAGACGGTGAGGACCACCATATCAGAATAATAAAAAGGAAAT-3'
Protein context (NP_060250.2, residues 1312-1332): FSQMVRCLDI[Leu1322Pro]EDYLIQRRYP

ClinVar aggregate classification (germline): Likely pathogenic (1 of 4 stars; one submission).

Submission:

GeneDx
Classification: Likely pathogenic. Last evaluated: 2024-08-29. Review status: criteria provided, single submitter. Criteria: GeneDx Variant Classification Process June 2021. Collection method: clinical testing. Allele origin: germline. Affected: yes.
Comment: Identified in an individual undergoing single gene testing for CHD7, however clinical and segregation data was not available (PMID: 21158681); Not observed at significant frequency in large population cohorts (gnomAD); In silico analysis supports that this missense variant has a deleterious effect on protein structure/function; This variant is associated with the following publications: (PMID: 21158681)